The following is an entry in ClinVar:

NM_022130.4(GOLPH3):c.741C>T (p.Asp247=)

Genes: GOLPH3 (golgi phosphoprotein 3; minus strand), LOC126807344 (CDK7 strongly-dependent group 2 enhancer GRCh37_chr5:32125750-32126949; plus strand). Cytogenetic location: 5p13.3.
Variant type: single nucleotide variant.
Coding change: c.741C>T on transcript NM_022130.4 (MANE Select); coding-DNA position 741, C replaced by T.
Protein change: p.Asp247=; no amino-acid change (aspartic acid 247 retained).
Molecular consequence: synonymous variant.
Genome position (GRCh38, 1-based): chr5:32,126,368, G>A on the plus strand (C>T on the coding strand, the complement: GOLPH3 is on the minus strand). VCF-style: chr5-32126368-G-A. GRCh37 (hg19) VCF-style: chr5-32126474-G-A.
Identifiers: ClinVar variation 2655384 (VCV002655384.24), dbSNP rs61748192, ClinGen allele CA3220671.
Genomic context (GRCh38, chr5:32,126,368, plus strand): 5'-TCTCTTGGTAGCCAAATCATACTGCTCGTCCAGAAGAGGAGCAAAAGCATTCTCCAGGAC[G>A]TCCGAGGCATGAGCCAGGTAAATGAGGGCCAGCAAGCGCCTGTCCATGCGGTGAGGGTCA-3'
Protein context (NP_071413.1, residues 237-257): LALIYLAHAS[Asp247=]VLENAFAPLL

ClinVar aggregate classification (germline): Likely benign (1 of 4 stars; one submission).

Allele frequency attached by ClinVar (database versions not stated): 1000 Genomes Project 0.00120; 1000 Genomes Project 30x 0.00156; ExAC 0.00285; gnomAD 0.00306; TOPMed 0.00347; gnomAD exomes 0.00380; ESP Exome Variant Server 0.00408.
gnomAD v4.1: 6,058 of 1,614,142 alleles (0.38%); highest among the groups gnomAD compares: Non-Finnish European, 0.42%; 17 homozygotes.

Submission:

CeGaT Center for Human Genetics Tuebingen
Classification: Likely benign. Last evaluated: 2023-02-01. Review status: criteria provided, single submitter. Criteria: CeGaT Center For Human Genetics Tuebingen Variant Classification Criteria Version 2. Collection method: clinical testing. Allele origin: germline. Affected: yes. Observed: 2 variant alleles.
Comment: GOLPH3: BP4, BP7, BS2